The following is an entry in ClinVar:

ClinVar aggregate classification (germline): Uncertain significance (1 of 4 stars; one submission).

Conditions:
MHC class II deficiency. Also called: Bare lymphocyte syndrome 2; BLS, TYPE II. Identifiers: Orphanet 572, MedGen C5447452, MONDO:0008855.

Allele frequency attached by ClinVar (database versions not stated): 1000 Genomes Project 30x 0.00016; 1000 Genomes Project 0.00020.
gnomAD v4.1: 31 of 1,613,854 alleles (0.0019%); highest among the groups gnomAD compares: South Asian, 0.032%; no homozygotes.

Submission:

Labcorp Genetics (formerly Invitae), Labcorp
Classification: Uncertain significance for MHC class II deficiency. Last evaluated: 2022-08-31. Review status: criteria provided, single submitter. Criteria: Invitae Variant Classification Sherloc (09022015). Collection method: clinical testing. Allele origin: germline.
Comment: This sequence change replaces proline, which is neutral and non-polar, with arginine, which is basic and polar, at codon 19 of the RFX5 protein (p.Pro19Arg). This variant is present in population databases (rs548049340, gnomAD 0.04%). This variant has not been reported in the literature in individuals affected with RFX5-related conditions. ClinVar contains an entry for this variant (Variation ID: 1503441). Algorithms developed to predict the effect of missense changes on protein structure and function are either unavailable or do not agree on the potential impact of this missense change (SIFT: "Deleterious"; PolyPhen-2: "Benign"; Align-GVGD: "Class C0"). In summary, the available evidence is currently insufficient to determine the role of this variant in disease. Therefore, it has been classified as a Variant of Uncertain Significance.

NM_001025603.2(RFX5):c.56C>G (p.Pro19Arg)

Gene: RFX5 (regulatory factor X5; minus strand). Cytogenetic location: 1q21.3.
Variant type: single nucleotide variant.
Coding change: c.56C>G on transcript NM_001025603.2 (MANE Select); coding-DNA position 56, C replaced by G.
Protein change: p.Pro19Arg; replaces proline 19 with arginine.
Molecular consequence: missense variant.
Genome position (GRCh38, 1-based): chr1:151,346,265, G>C on the plus strand (C>G on the coding strand, the complement: RFX5 is on the minus strand). VCF-style: chr1-151346265-G-C. GRCh37 (hg19) VCF-style: chr1-151318741-G-C.
Other names: c.56C>G, p.Pro19Arg (NM_000449.4, NM_001379412.1, NM_001379413.1 and 7 more transcripts); short protein forms P19R.
Identifiers: ClinVar variation 1503441 (VCV001503441.5), dbSNP rs548049340, ClinGen allele CA1089967.